The following is an entry in ClinVar:

ClinVar aggregate classification (germline): Uncertain significance. Review status: criteria provided, multiple submitters, no conflicts (2 of 4 stars). 4 submissions from 4 submitters: Uncertain significance (4). Last evaluated 2025-07-28.

Conditions:
Hereditary cancer-predisposing syndrome. Also called: Tumor predisposition; Hereditary neoplastic syndrome; Neoplastic Syndromes, Hereditary; Hereditary Cancer Syndrome. Identifiers: Orphanet 140162, MedGen C0027672, MeSH D009386, MONDO:0015356.
Familial adenomatous polyposis 1 (FAP1). Also called: POLYPOSIS, ADENOMATOUS INTESTINAL; FAMILIAL ADENOMATOUS POLYPOSIS 1, ATTENUATED. Identifiers: MedGen C2713442, MONDO:0021056, OMIM 175100. Disease mechanism: loss of function.

Allele frequency attached by ClinVar (database versions not stated): gnomAD exomes below 0.00001 and 0.00001; ExAC 0.00001; gnomAD 0.00001; 1000 Genomes Project 30x 0.00016; 1000 Genomes Project 0.00020.
gnomAD v4.1: 19 of 1,613,474 alleles (0.0012%); highest among the groups gnomAD compares: East Asian, 0.04%; no homozygotes.

Submissions (4):

Labcorp Genetics (formerly Invitae), Labcorp
Classification: Uncertain significance for Familial adenomatous polyposis 1. Last evaluated: 2025-07-28. Review status: criteria provided, single submitter. Criteria: Invitae Variant Classification Sherloc (09022015). Collection method: clinical testing. Allele origin: germline.
Comment: This sequence change replaces valine, which is neutral and non-polar, with isoleucine, which is neutral and non-polar, at codon 2014 of the APC protein (p.Val2014Ile). This variant is present in population databases (rs143313902, gnomAD 0.006%). This variant has not been reported in the literature in individuals affected with APC-related conditions. ClinVar contains an entry for this variant (Variation ID: 517226). Invitae Evidence Modeling of protein sequence and biophysical properties (such as structural, functional, and spatial information, amino acid conservation, physicochemical variation, residue mobility, and thermodynamic stability) indicates that this missense variant is not expected to disrupt APC protein function with a negative predictive value of 95%. In summary, the available evidence is currently insufficient to determine the role of this variant in disease. Therefore, it has been classified as a Variant of Uncertain Significance.

Ambry Genetics
Classification: Uncertain significance for Hereditary cancer-predisposing syndrome. Last evaluated: 2025-04-11. Review status: criteria provided, single submitter. Criteria: Ambry Variant Classification Scheme 2023. Collection method: clinical testing. Allele origin: germline.
Comment: The p.V2014I variant (also known as c.6040G>A), located in coding exon 15 of the APC gene, results from a G to A substitution at nucleotide position 6040. The valine at codon 2014 is replaced by isoleucine, an amino acid with highly similar properties. This variant was detected in a study of 1165 individuals with a history of colorectal cancer or colon polyps as well as 590 controls (Gordon AS et al. Am J Hum Genet, 2019 Sep;105:526-533). This amino acid position is highly conserved in available vertebrate species. In addition, in silico predictors for this gene do not accurately predict pathogenicity. Missense alterations in APC are not a common cause of disease (Spier I et al. Genet Med. 2024 Feb;26(2):100992). Based on the available evidence, the clinical significance of this variant remains unclear.

Baylor Genetics
Classification: Uncertain significance for Familial adenomatous polyposis 1. Last evaluated: 2023-01-30. Review status: criteria provided, single submitter. Criteria: ACMG Guidelines, 2015. Collection method: clinical testing. Allele origin: unknown.

Laboratory for Molecular Medicine, Mass General Brigham Personalized Medicine
Classification: Uncertain significance. Last evaluated: 2017-02-20. Review status: criteria provided, single submitter. Criteria: LMM Criteria. Collection method: clinical testing. Allele origin: germline. Observed: 1 variant allele.
Comment: The p.Val2014Ile variant in APC has not been previously reported in individuals with familial adenomatous polyposis or other APC-associated disorders. This vari ant has been identified in 1/8636 of East Asian chromosomes by the Exome Aggrega tion Consortium (ExAC; dbSNP rs143313902). Compu tational prediction tools and conservation analysis do not provide strong suppor t for or against an impact to the protein. In summary, the clinical significance of the p.Val2014Ile variant is uncertain.

Literature cited by the submitters: PubMed 31422818 (cited by Ambry Genetics).

NM_000038.6(APC):c.6040G>A (p.Val2014Ile)

Gene: APC (APC regulator of Wnt signaling pathway; plus strand). Cytogenetic location: 5q22.2.
Variant type: single nucleotide variant.
Coding change: c.6040G>A on transcript NM_000038.6 (MANE Select); coding-DNA position 6040, G replaced by A.
Protein change: p.Val2014Ile; replaces valine 2014 with isoleucine.
Molecular consequence: missense variant.
Genome position (GRCh38, 1-based): chr5:112,841,634, G>A. VCF-style: chr5-112841634-G-A. GRCh37 (hg19) VCF-style: chr5-112177331-G-A.
Other names: c.6040G>A, p.Val2014Ile (NM_001127510.3, NM_001354895.2); c.5986G>A, p.Val1996Ile (NM_001127511.3); c.6094G>A, p.Val2032Ile (NM_001354896.2); c.6070G>A, p.Val2024Ile (NM_001354897.2); c.5965G>A, p.Val1989Ile (NM_001354898.2); c.5956G>A, p.Val1986Ile (NM_001354899.2); c.5917G>A, p.Val1973Ile (NM_001354900.2); c.5863G>A, p.Val1955Ile (NM_001354901.2); and 5 more; short protein forms V1996I, V2014I, V1854I, V1923I, V1989I, V1888I, V1986I, V2032I.
Identifiers: ClinVar variation 517226 (VCV000517226.19), dbSNP rs143313902, ClinGen allele CA043836.